The following is an entry in ClinVar:

ClinVar aggregate classification (germline): Benign/Likely benign. Review status: criteria provided, multiple submitters, no conflicts (2 of 4 stars). 4 submissions from 4 submitters: Benign (1); Likely benign (2). 1 of the submissions does not count toward it. Last evaluated 2026-01-19.

Conditions:
LAMA2-related disorder. Also called: LAMA2-related disorders; LAMA2-related condition.
LAMA2-related muscular dystrophy (LAMA2-RD). Also called: Laminin alpha 2-related dystrophy. Identifiers: MedGen C5679788, MONDO:0100228.

Allele frequency attached by ClinVar (database versions not stated): gnomAD exomes 0.00007 and 0.00009; gnomAD 0.00011 and 0.00012; TOPMed 0.00011; ExAC 0.00012; 1000 Genomes Project 30x 0.00016; 1000 Genomes Project 0.00020; ESP Exome Variant Server 0.00031.
gnomAD v4.1: 142 of 1,613,722 alleles (0.0088%); highest among the groups gnomAD compares: Non-Finnish European, 0.011%; no homozygotes.

Submissions (4):

Labcorp Genetics (formerly Invitae), Labcorp
Classification: Likely benign for LAMA2-related muscular dystrophy. Last evaluated: 2026-01-19. Review status: criteria provided, single submitter. Criteria: Invitae Variant Classification Sherloc (09022015). Collection method: clinical testing. Allele origin: germline.

Blueprint Genetics
Classification: Likely benign. Last evaluated: 2024-05-30. Review status: criteria provided, single submitter. Criteria: ACMG Guidelines, 2015. Collection method: clinical testing. Allele origin: germline.

Revvity Omics, Revvity
Classification: Benign. Last evaluated: 2024-03-04. Review status: criteria provided, single submitter. Criteria: ACMG Guidelines, 2015. Collection method: clinical testing. Allele origin: germline.

PreventionGenetics, part of Exact Sciences
Classification: Likely benign for LAMA2-related condition. Last evaluated: 2021-03-29. Review status: no assertion criteria provided. Collection method: clinical testing. Allele origin: germline. Not counted in ClinVar's aggregate classification.
Comment: This variant is classified as likely benign based on ACMG/AMP sequence variant interpretation guidelines (Richards et al. 2015 PMID: 25741868, with internal and published modifications).

NM_000426.4(LAMA2):c.4992C>T (p.Thr1664=)

Gene: LAMA2 (laminin subunit alpha 2; plus strand). Cytogenetic location: 6q22.33.
Variant type: single nucleotide variant.
Coding change: c.4992C>T on transcript NM_000426.4 (MANE Select); coding-DNA position 4992, C replaced by T.
Protein change: p.Thr1664=; no amino-acid change (threonine 1664 retained).
Molecular consequence: synonymous variant.
Genome position (GRCh38, 1-based): chr6:129,383,154, C>T. VCF-style: chr6-129383154-C-T. GRCh37 (hg19) VCF-style: chr6-129704299-C-T.
Other names: c.4992C>T, p.Thr1664= (NM_001079823.2).
Identifiers: ClinVar variation 779490 (VCV000779490.16), dbSNP rs143078882, ClinGen allele CA3993748.